The following is an entry in ClinVar:

NM_000135.4(FANCA):c.4099C>G (p.Leu1367Val)

Genes: FANCA (FA complementation group A; minus strand), ZNF276 (zinc finger protein 276; plus strand). Cytogenetic location: 16q24.3.
Variant type: single nucleotide variant.
Coding change: c.4099C>G on transcript NM_000135.4 (MANE Select); coding-DNA position 4099, C replaced by G.
Protein change: p.Leu1367Val; replaces leucine 1367 with valine.
Molecular consequence: missense variant. On other transcripts: 3 prime UTR variant (2), non-coding transcript variant (4).
Genome position (GRCh38, 1-based): chr16:89,739,201, G>C on the plus strand (C>G on the coding strand, the complement: FANCA is on the minus strand). VCF-style: chr16-89739201-G-C. GRCh37 (hg19) VCF-style: chr16-89805609-G-C.
Other names: c.4099C>G, p.Leu1367Val (NM_001286167.3); c.*955G>C (NM_001113525.2, NM_152287.4); short protein forms L1367V.
Identifiers: ClinVar variation 1467564 (VCV001467564.7), dbSNP rs2062056417, ClinGen allele CA397484410.

ClinVar aggregate classification (germline): Uncertain significance. Review status: criteria provided, multiple submitters, no conflicts (2 of 4 stars). 2 submissions from 2 submitters: Uncertain significance (2). Last evaluated 2023-12-24.

Conditions:
Fanconi anemia (FA). Also called: Fanconi's anemia. Identifiers: Orphanet 84, MedGen C0015625, MeSH D005199, MONDO:0019391.
Fanconi anemia complementation group A (FANCA). Also called: FANCA-Related Fanconi Anemia; Fanconi anemia, group A. Identifiers: Orphanet 84, MedGen C3469521, MONDO:0009215, OMIM 227650.

Allele frequency attached by ClinVar (database versions not stated): TOPMed below 0.00001; gnomAD 0.00001.
gnomAD v4.1: 1 of 1,614,054 alleles (0.000062%); highest among the groups gnomAD compares: African/African-American, 0.0013%; no homozygotes.

Submissions (2):

Fulgent Genetics
Classification: Uncertain significance for Fanconi anemia complementation group A. Last evaluated: 2023-12-24. Review status: criteria provided, single submitter. Criteria: ACMG Guidelines, 2015. Collection method: clinical testing. Allele origin: germline.

Labcorp Genetics (formerly Invitae), Labcorp
Classification: Uncertain significance for Fanconi anemia. Last evaluated: 2021-08-07. Review status: criteria provided, single submitter. Criteria: Invitae Variant Classification Sherloc (09022015). Collection method: clinical testing. Allele origin: germline.
Comment: This sequence change replaces leucine with valine at codon 1367 of the FANCA protein (p.Leu1367Val). The leucine residue is highly conserved and there is a small physicochemical difference between leucine and valine. This variant is not present in population databases (ExAC no frequency). This variant has not been reported in the literature in individuals affected with FANCA-related conditions. Advanced modeling of protein sequence and biophysical properties (such as structural, functional, and spatial information, amino acid conservation, physicochemical variation, residue mobility, and thermodynamic stability) performed at Invitae indicates that this missense variant is expected to disrupt FANCA protein function. Algorithms developed to predict the effect of sequence changes on RNA splicing suggest that this variant may create or strengthen a splice site. In summary, the available evidence is currently insufficient to determine the role of this variant in disease. Therefore, it has been classified as a Variant of Uncertain Significance.